The following is an entry in ClinVar:

ClinVar aggregate classification (germline): Uncertain significance (1 of 4 stars; one submission).

gnomAD v4.1: 2 of 1,612,390 alleles (0.00012%); highest among the groups gnomAD compares: African/African-American, 0.0027%; no homozygotes.

Submission:

Labcorp Genetics (formerly Invitae), Labcorp
Classification: Uncertain significance. Last evaluated: 2025-07-27. Review status: criteria provided, single submitter. Criteria: Invitae Variant Classification Sherloc (09022015). Collection method: clinical testing. Allele origin: germline.
Comment: This sequence change falls in intron 22 of the MYH3 gene. It does not directly change the encoded amino acid sequence of the MYH3 protein. It affects a nucleotide within the consensus splice site. This variant is not present in population databases (gnomAD no frequency). This variant has not been reported in the literature in individuals affected with MYH3-related conditions. Variants that disrupt the consensus splice site are a relatively common cause of aberrant splicing (PMID: 17576681, 9536098). Algorithms developed to predict the effect of sequence changes on RNA splicing suggest that this variant is not likely to affect RNA splicing. In summary, the available evidence is currently insufficient to determine the role of this variant in disease. Therefore, it has been classified as a Variant of Uncertain Significance.

Literature cited by the submitters: PubMed 17576681; PubMed 9536098.

NM_002470.4(MYH3):c.2682+4C>G

Gene: MYH3 (myosin heavy chain 3; minus strand). Cytogenetic location: 17p13.1.
Variant type: single nucleotide variant.
Coding change: c.2682+4C>G on transcript NM_002470.4 (MANE Select); 4 bases into the intron after coding-DNA position 2682, C replaced by G.
Molecular consequence: intron variant.
Genome position (GRCh38, 1-based): chr17:10,639,992, G>C on the plus strand (C>G on the coding strand, the complement: MYH3 is on the minus strand). VCF-style: chr17-10639992-G-C. GRCh37 (hg19) VCF-style: chr17-10543309-G-C.
Identifiers: ClinVar variation 4691923 (VCV004691923.1).
Genomic context (GRCh38, chr17:10,639,992, plus strand): 5'-TTTTCTAAATAAATAATCAAATCTAGAAGAGTTAAAAAAAAAAAAAAGATTGCTAAACAC[G>C]TACAGCTTGTACTTGGAGCTGCAGGTCATTCTTCTCTTGGACCAGAGTCACCAGTTTTTC-3'